The following is an entry in ClinVar:

NM_001370259.2(MEN1):c.153C>G (p.Asn51Lys)

Gene: MEN1 (menin 1; minus strand). Cytogenetic location: 11q13.1.
Variant type: single nucleotide variant.
Coding change: c.153C>G on transcript NM_001370259.2 (MANE Select); coding-DNA position 153, C replaced by G.
Protein change: p.Asn51Lys; replaces asparagine 51 with lysine.
Molecular consequence: missense variant.
Genome position (GRCh38, 1-based): chr11:64,809,957, G>C on the plus strand (C>G on the coding strand, the complement: MEN1 is on the minus strand). VCF-style: chr11-64809957-G-C. GRCh37 (hg19) VCF-style: chr11-64577429-G-C.
Other names: c.153C>G, p.Asn51Lys (NM_000244.4, NM_001370251.2, NM_001370260.2 and 20 more transcripts); short protein forms N51K.
Identifiers: ClinVar variation 2006285 (VCV002006285.4), dbSNP rs1555166669, ClinGen allele CA381187776.

ClinVar aggregate classification (germline): Uncertain significance (1 of 4 stars; one submission).

Conditions:
Multiple endocrine neoplasia, type 1 (MEN1). Also called: Endocrine adenomatosis multiple; MEN 1; MEA I; MEN I; WERMER SYNDROME. Identifiers: Orphanet 652, MedGen C0025267, MeSH D018761, MONDO:0007540, OMIM 131100.

gnomAD v4.1: 1 of 1,586,428 alleles (0.000063%); highest among the groups gnomAD compares: Non-Finnish European, 0.000086%; no homozygotes.

Submission:

Labcorp Genetics (formerly Invitae), Labcorp
Classification: Uncertain significance for Multiple endocrine neoplasia, type 1. Last evaluated: 2022-06-14. Review status: criteria provided, single submitter. Criteria: Invitae Variant Classification Sherloc (09022015). Collection method: clinical testing. Allele origin: germline.
Comment: This sequence change replaces asparagine, which is neutral and polar, with lysine, which is basic and polar, at codon 51 of the MEN1 protein (p.Asn51Lys). This variant is not present in population databases (gnomAD no frequency). In summary, the available evidence is currently insufficient to determine the role of this variant in disease. Therefore, it has been classified as a Variant of Uncertain Significance. Algorithms developed to predict the effect of missense changes on protein structure and function (SIFT, PolyPhen-2, Align-GVGD) all suggest that this variant is likely to be tolerated. This variant has not been reported in the literature in individuals affected with MEN1-related conditions.